The following is an entry in ClinVar:

NM_006231.4(POLE):c.4036A>G (p.Arg1346Gly)

Gene: POLE (DNA polymerase epsilon, catalytic subunit; minus strand). Cytogenetic location: 12q24.33.
Variant type: single nucleotide variant.
Coding change: c.4036A>G on transcript NM_006231.4 (MANE Select); coding-DNA position 4036, A replaced by G.
Protein change: p.Arg1346Gly; replaces arginine 1346 with glycine.
Molecular consequence: missense variant.
Genome position (GRCh38, 1-based): chr12:132,649,042, T>C on the plus strand (A>G on the coding strand, the complement: POLE is on the minus strand). VCF-style: chr12-132649042-T-C. GRCh37 (hg19) VCF-style: chr12-133225628-T-C.
Other names: short protein forms R1346G.
Identifiers: ClinVar variation 1448816 (VCV001448816.11), dbSNP rs2042353595, ClinGen allele CA387383945.

ClinVar aggregate classification (germline): Uncertain significance. Review status: criteria provided, multiple submitters, no conflicts (2 of 4 stars). 2 submissions from 2 submitters: Uncertain significance (2). Last evaluated 2025-12-26.

Conditions:
Hereditary cancer-predisposing syndrome. Also called: Hereditary Cancer Syndrome; Hereditary neoplastic syndrome; Neoplastic Syndromes, Hereditary; Tumor predisposition. Identifiers: Orphanet 140162, MedGen C0027672, MeSH D009386, MONDO:0015356.

Allele frequency attached by ClinVar (database versions not stated): gnomAD exomes below 0.00001.

Submissions (2):

Labcorp Genetics (formerly Invitae), Labcorp
Classification: Uncertain significance. Last evaluated: 2025-12-26. Review status: criteria provided, single submitter. Criteria: Invitae Variant Classification Sherloc (09022015). Collection method: clinical testing. Allele origin: germline.
Comment: This sequence change replaces arginine, which is basic and polar, with glycine, which is neutral and non-polar, at codon 1346 of the POLE protein (p.Arg1346Gly). This variant is not present in population databases (gnomAD no frequency). This variant has not been reported in the literature in individuals affected with POLE-related conditions. ClinVar contains an entry for this variant (Variation ID: 1448816). Invitae Evidence Modeling of protein sequence and biophysical properties (such as structural, functional, and spatial information, amino acid conservation, physicochemical variation, residue mobility, and thermodynamic stability) has been performed for this missense variant. However, the output from this modeling did not meet the statistical confidence thresholds required to predict the impact of this variant on POLE protein function. In summary, the available evidence is currently insufficient to determine the role of this variant in disease. Therefore, it has been classified as a Variant of Uncertain Significance.

Ambry Genetics
Classification: Uncertain significance for Hereditary cancer-predisposing syndrome. Last evaluated: 2024-04-08. Review status: criteria provided, single submitter. Criteria: Ambry Variant Classification Scheme 2023. Collection method: clinical testing. Allele origin: germline.